The following is an entry in ClinVar:

ClinVar aggregate classification (germline): Uncertain significance. Review status: criteria provided, multiple submitters, no conflicts (2 of 4 stars). 3 submissions from 3 submitters: Uncertain significance (3). Last evaluated 2025-06-06.

Conditions:
Inborn genetic diseases. Identifiers: MedGen C0950123, MeSH D030342.
Hermansky-Pudlak syndrome 2 (HPS2). Also called: Platelet defects and oculocutaneous albinism. Identifiers: Orphanet 183678, Orphanet 79430, MedGen C1842362, MONDO:0011997, OMIM 608233.

Allele frequency attached by ClinVar (database versions not stated): gnomAD exomes 0.00001; ExAC 0.00002; TOPMed 0.00004; gnomAD 0.00007; ESP Exome Variant Server 0.00008.
gnomAD v4.1: 21 of 1,613,382 alleles (0.0013%); highest among the groups gnomAD compares: African/African-American, 0.021%; no homozygotes.

Submissions (3):

Ambry Genetics
Classification: Uncertain significance for Inborn genetic diseases. Last evaluated: 2025-06-06. Review status: criteria provided, single submitter. Criteria: Ambry Variant Classification Scheme 2023. Collection method: clinical testing. Allele origin: germline.

Mayo Clinic Laboratories, Mayo Clinic
Classification: Uncertain significance. Last evaluated: 2023-10-11. Review status: criteria provided, single submitter. Criteria: ACMG Guidelines, 2015. Collection method: clinical testing. Allele origin: germline. Observed: 1 variant allele.
Comment: BP4

Labcorp Genetics (formerly Invitae), Labcorp
Classification: Uncertain significance for Hermansky-Pudlak syndrome 2. Last evaluated: 2022-03-23. Review status: criteria provided, single submitter. Criteria: Invitae Variant Classification Sherloc (09022015). Collection method: clinical testing. Allele origin: germline.
Comment: This sequence change replaces alanine, which is neutral and non-polar, with valine, which is neutral and non-polar, at codon 844 of the AP3B1 protein (p.Ala844Val). In summary, the available evidence is currently insufficient to determine the role of this variant in disease. Therefore, it has been classified as a Variant of Uncertain Significance. Algorithms developed to predict the effect of missense changes on protein structure and function are either unavailable or do not agree on the potential impact of this missense change (SIFT: "Deleterious"; PolyPhen-2: "Possibly Damaging"; Align-GVGD: "Class C0"). This variant has not been reported in the literature in individuals affected with AP3B1-related conditions. This variant is present in population databases (rs139210717, gnomAD 0.02%).

NM_003664.5(AP3B1):c.2531C>T (p.Ala844Val)

Gene: AP3B1 (adaptor related protein complex 3 subunit beta 1; minus strand). Cytogenetic location: 5q14.1.
Variant type: single nucleotide variant.
Coding change: c.2531C>T on transcript NM_003664.5 (MANE Select); coding-DNA position 2531, C replaced by T.
Protein change: p.Ala844Val; replaces alanine 844 with valine.
Molecular consequence: missense variant.
Genome position (GRCh38, 1-based): chr5:78,089,439, G>A on the plus strand (C>T on the coding strand, the complement: AP3B1 is on the minus strand). VCF-style: chr5-78089439-G-A. GRCh37 (hg19) VCF-style: chr5-77385263-G-A.
Other names: p.Ala844Val; c.2384C>T, p.Ala795Val (NM_001271769.2); c.2531C>T, p.Ala844Val (NM_001410752.1); c.2531C>T (NM_003664.3); short protein forms A795V, A844V.
Identifiers: ClinVar variation 2058241 (VCV002058241.4), dbSNP rs139210717, ClinGen allele CA3316741.